The following is an entry in ClinVar:

ClinVar aggregate classification (germline): Uncertain significance. Review status: criteria provided, multiple submitters, no conflicts (2 of 4 stars). 2 submissions from 2 submitters: Uncertain significance (2). Last evaluated 2023-10-08.

Conditions:
Cystic fibrosis (CF). Also called: MUCOVISCIDOSIS. Identifiers: Orphanet 586, MedGen C0010674, MONDO:0009061, OMIM 219700. Disease mechanism: loss of function.
Congenital bilateral aplasia of vas deferens from CFTR mutation (CBAVD). Identifiers: Orphanet 48, MedGen C0403814, MONDO:0010178, OMIM 277180. Disease mechanism: loss of function.
Bronchiectasis with or without elevated sweat chloride 1 (BESC1). Also called: Cystic Fibrosis-Like Syndrome. Identifiers: Orphanet 60033, MedGen C2749757, MONDO:0008887, OMIM 211400.
Hereditary pancreatitis (PCTT). Also called: Hereditary chronic pancreatitis; PRSS1-Related Hereditary Pancreatitis. Identifiers: Orphanet 676, MedGen C0238339, MONDO:0008185, OMIM 167800.

Allele frequency attached by ClinVar (database versions not stated): gnomAD exomes below 0.00001; ExAC 0.00002.
gnomAD v4.1: 3 of 1,613,756 alleles (0.00019%); highest among the groups gnomAD compares: Non-Finnish European, 0.00025%; no homozygotes.

Submissions (2):

Labcorp Genetics (formerly Invitae), Labcorp
Classification: Uncertain significance for Cystic fibrosis. Last evaluated: 2023-10-08. Review status: criteria provided, single submitter. Criteria: Invitae Variant Classification Sherloc (09022015). Collection method: clinical testing. Allele origin: germline.
Comment: This sequence change replaces proline, which is neutral and non-polar, with arginine, which is basic and polar, at codon 140 of the CFTR protein (p.Pro140Arg). This variant is present in population databases (rs397508694, gnomAD 0.002%). This variant has not been reported in the literature in individuals affected with CFTR-related conditions. Advanced modeling of protein sequence and biophysical properties (such as structural, functional, and spatial information, amino acid conservation, physicochemical variation, residue mobility, and thermodynamic stability) performed at Invitae indicates that this missense variant is expected to disrupt CFTR protein function. In summary, the available evidence is currently insufficient to determine the role of this variant in disease. Therefore, it has been classified as a Variant of Uncertain Significance.

Juno Genomics, Hangzhou Juno Genomics, Inc
Classification: Uncertain significance for Bronchiectasis with or without elevated sweat chloride 1; Cystic fibrosis; Hereditary pancreatitis; Congenital bilateral aplasia of vas deferens from CFTR mutation. Review status: criteria provided, single submitter. Criteria: ACMG Guidelines, 2015. Collection method: clinical testing. Allele origin: germline. Affected: yes.
Comment: Absent from controls (or at extremely low frequency if recessive) in Genome Aggregation Database.;Multiple lines of computational evidence support a deleterious effect on the gene or gene product.

NM_000492.4(CFTR):c.419C>G (p.Pro140Arg)

Gene: CFTR (CF transmembrane conductance regulator; plus strand). Cytogenetic location: 7q31.2.
Variant type: single nucleotide variant.
Coding change: c.419C>G on transcript NM_000492.4 (MANE Select); coding-DNA position 419, C replaced by G.
Protein change: p.Pro140Arg; replaces proline 140 with arginine.
Molecular consequence: missense variant.
Genome position (GRCh38, 1-based): chr7:117,531,044, C>G. VCF-style: chr7-117531044-C-G. GRCh37 (hg19) VCF-style: chr7-117171098-C-G.
Other names: short protein forms P140R.
Identifiers: ClinVar variation 2918673 (VCV002918673.4), dbSNP rs397508694, ClinGen allele CA4450720.
Genomic context (GRCh38, chr7:117,531,044, plus strand): 5'-CGATTTATCTAGGCATAGGCTTATGCCTTCTCTTTATTGTGAGGACACTGCTCCTACACC[C>G]AGCCATTTTTGGCCTTCATCACATTGGAATGCAGATGAGAATAGCTATGTTTAGTTTGAT-3'
Protein context (NP_000483.3, residues 130-150): LFIVRTLLLH[Pro140Arg]AIFGLHHIGM